The following is an entry in ClinVar:

NM_005502.4(ABCA1):c.4050+7C>T

Gene: ABCA1 (ATP binding cassette subfamily A member 1; minus strand). Cytogenetic location: 9q31.1.
Variant type: single nucleotide variant.
Coding change: c.4050+7C>T on transcript NM_005502.4 (MANE Select); 7 bases into the intron after coding-DNA position 4050, C replaced by T.
Molecular consequence: intron variant.
Genome position (GRCh38, 1-based): chr9:104,812,567, G>A on the plus strand (C>T on the coding strand, the complement: ABCA1 is on the minus strand). VCF-style: chr9-104812567-G-A. GRCh37 (hg19) VCF-style: chr9-107574848-G-A.
Other names: p.?.
Identifiers: ClinVar variation 2066791 (VCV002066791.32), dbSNP rs775971241, ClinGen allele CA5168263.

ClinVar aggregate classification (germline): Likely benign. Review status: criteria provided, multiple submitters, no conflicts (2 of 4 stars). 3 submissions from 3 submitters: Likely benign (3). Last evaluated 2025-08-22.

Allele frequency attached by ClinVar (database versions not stated): TOPMed 0.00003; gnomAD 0.00004; gnomAD exomes 0.00005.
gnomAD v4.1: 75 of 1,614,010 alleles (0.0046%); highest among the groups gnomAD compares: Admixed American, 0.01%; no homozygotes.

Submissions (3):

Mayo Clinic Laboratories, Mayo Clinic
Classification: Likely benign. Last evaluated: 2025-08-22. Review status: criteria provided, single submitter. Criteria: ACMG Guidelines, 2015. Collection method: clinical testing. Allele origin: germline. Observed: 1 variant allele.
Comment: BP4, BP7

Labcorp Genetics (formerly Invitae), Labcorp
Classification: Likely benign. Last evaluated: 2024-08-05. Review status: criteria provided, single submitter. Criteria: Invitae Variant Classification Sherloc (09022015). Collection method: clinical testing. Allele origin: germline.

CeGaT Center for Human Genetics Tuebingen
Classification: Likely benign. Last evaluated: 2023-05-01. Review status: criteria provided, single submitter. Criteria: CeGaT Center For Human Genetics Tuebingen Variant Classification Criteria Version 2. Collection method: clinical testing. Allele origin: germline. Affected: yes. Observed: 1 variant allele.
Comment: ABCA1: BP4, BS1